The following is an entry in ClinVar:

ClinVar aggregate classification (germline): Uncertain significance. Review status: criteria provided, multiple submitters, no conflicts (2 of 4 stars). 3 submissions from 3 submitters: Uncertain significance (3). Last evaluated 2026-08-29.

Conditions:
CEP164-related disorder. Also called: CEP164-related condition.
Nephronophthisis 15 (NPHP15). Identifiers: Orphanet 3156, MedGen C3541853, MONDO:0013917, OMIM 614845.

Allele frequency attached by ClinVar (database versions not stated): ExAC 0.00002; TOPMed 0.00003.
gnomAD v4.1: 38 of 1,613,372 alleles (0.0024%); highest among the groups gnomAD compares: South Asian, 0.0033%; no homozygotes.

Submissions (3):

PreventionGenetics, part of Exact Sciences
Classification: Uncertain significance for CEP164-related condition. Last evaluated: 2026-08-29. Review status: criteria provided, single submitter. Criteria: ACMG Guidelines, 2015. Collection method: clinical testing. Allele origin: germline.
Comment: The CEP164 c.2518C>T variant is predicted to result in the amino acid substitution p.Arg840Cys. To our knowledge, this variant has not been reported in the literature. This variant is reported in 0.0065% of alleles in individuals of South Asian descent in gnomAD. At this time, the clinical significance of this variant is uncertain due to the absence of conclusive functional and genetic evidence.

Fulgent Genetics
Classification: Uncertain significance for Nephronophthisis 15. Last evaluated: 2024-01-20. Review status: criteria provided, single submitter. Criteria: ACMG Guidelines, 2015. Collection method: clinical testing. Allele origin: germline.

Labcorp Genetics (formerly Invitae), Labcorp
Classification: Uncertain significance for Nephronophthisis 15. Last evaluated: 2022-11-01. Review status: criteria provided, single submitter. Criteria: Invitae Variant Classification Sherloc (09022015). Collection method: clinical testing. Allele origin: germline.
Comment: This sequence change replaces arginine, which is basic and polar, with cysteine, which is neutral and slightly polar, at codon 840 of the CEP164 protein (p.Arg840Cys). This variant is present in population databases (rs752891809, gnomAD 0.006%). This variant has not been reported in the literature in individuals affected with CEP164-related conditions. Algorithms developed to predict the effect of missense changes on protein structure and function (SIFT, PolyPhen-2, Align-GVGD) all suggest that this variant is likely to be disruptive. In summary, the available evidence is currently insufficient to determine the role of this variant in disease. Therefore, it has been classified as a Variant of Uncertain Significance.

NM_014956.5(CEP164):c.2518C>T (p.Arg840Cys)

Gene: CEP164 (centrosomal protein 164; plus strand). Cytogenetic location: 11q23.3.
Variant type: single nucleotide variant.
Coding change: c.2518C>T on transcript NM_014956.5 (MANE Select); coding-DNA position 2518, C replaced by T.
Protein change: p.Arg840Cys; replaces arginine 840 with cysteine.
Molecular consequence: missense variant.
Genome position (GRCh38, 1-based): chr11:117,393,028, C>T. VCF-style: chr11-117393028-C-T. GRCh37 (hg19) VCF-style: chr11-117263744-C-T.
Other names: c.2527C>T, p.Arg843Cys (NM_001271933.2); c.2518C>T (NM_014956.4); short protein forms R843C, R840C.
Identifiers: ClinVar variation 2051677 (VCV002051677.3), dbSNP rs752891809, ClinGen allele CA6295112.